The following is an entry in ClinVar:

ClinVar aggregate classification (germline): Conflicting classifications of pathogenicity. Review status: criteria provided, conflicting classifications (1 of 4 stars). 2 submissions from 2 submitters: Likely pathogenic (1); Uncertain significance (1). Last evaluated 2023-10-27.

Conditions:
Primary hyperoxaluria, type II (HP2). Also called: D-GLYCERATE DEHYDROGENASE DEFICIENCY; GLYCERIC ACIDURIA; GLYOXYLATE REDUCTASE/HYDROXYPYRUVATE REDUCTASE DEFICIENCY; OXALOSIS II; Primary hyperoxaluria type 2. Identifiers: Orphanet 416, Orphanet 93599, MedGen C0268165, MONDO:0009824, OMIM 260000. Disease mechanism: loss of function.

Submissions (2):

Rare Kidney Stone Consortium and the Mayo Clinic Hyperoxaluria Center, Mayo Clinic
Classification: Likely pathogenic for Primary hyperoxaluria, type II. Last evaluated: 2023-10-27. Review status: criteria provided, single submitter. Criteria: ACMG Guidelines, 2015. Collection method: clinical testing. Allele origin: germline. Affected: yes.
Comment: ACMG:PM1 PM2 PM3 PM5 PP3

Women's Health and Genetics/Laboratory Corporation of America, LabCorp
Classification: Uncertain significance. Last evaluated: 2023-06-30. Review status: criteria provided, single submitter. Criteria: LabCorp Variant Classification Summary - May 2015. Collection method: clinical testing. Allele origin: germline.
Comment: Variant summary: GRHPR c.905G>C (p.Arg302Pro) results in a non-conservative amino acid change located in the catalytic domain (IPR006139) of the encoded protein sequence. Five of five in-silico tools predict a damaging effect of the variant on protein function. The variant was absent in 251472 control chromosomes (gnomAD). The available data on variant occurrences in the general population are insufficient to allow any conclusion about variant significance. c.905G>C has been reported in the literature in at least one compound heterozygous individual affected with Primary Hyperoxaluria (e.g., Hopp_2015). These data do not allow any conclusion about variant significance. To our knowledge, no experimental evidence demonstrating an impact on protein function has been reported. The following publication was ascertained in the context of this evaluation (PMID: 25644115). No submitters have cited clinical-significance assessments for this variant to ClinVar after 2014. Additionally, other missense variants affecting this codon, namely c.904C>T (p.R302C) and c.905G>A (p.R302H), have been reported in the literature in patients with primary hyperoxaluria (PMIDs: 14635115, 35314707, 31685312); R302C has also been reported as pathogenic in ClinVar and functional studies found this variant resulted in severely reduced glyoxylate reductase activity (PMID: 14635115). Based on the evidence outlined above, the variant was classified as VUS-possibly pathogenic.

Literature cited by the submitters: PubMed 25644115 (cited by Rare Kidney Stone Consortium and the Mayo Clinic Hyperoxaluria Center, Mayo Clinic and Women's Health and Genetics/Laboratory Corporation of America, LabCorp).

NM_012203.2(GRHPR):c.905G>C (p.Arg302Pro)

Gene: GRHPR (glyoxylate and hydroxypyruvate reductase; plus strand). Cytogenetic location: 9p13.2.
Variant type: single nucleotide variant.
Coding change: c.905G>C on transcript NM_012203.2 (MANE Select); coding-DNA position 905, G replaced by C.
Protein change: p.Arg302Pro; replaces arginine 302 with proline.
Molecular consequence: missense variant.
Genome position (GRCh38, 1-based): chr9:37,436,700, G>C. VCF-style: chr9-37436700-G-C. GRCh37 (hg19) VCF-style: chr9-37436697-G-C.
Other names: short protein forms R302P.
Identifiers: ClinVar variation 2573564 (VCV002573564.2), dbSNP rs180177323, ClinGen allele CA373445365.